The following is an entry in ClinVar:

ClinVar aggregate classification (germline): Uncertain significance (1 of 4 stars; one submission).

Conditions:
Disseminated atypical mycobacterial infection. Identifiers: MedGen C0694566.

gnomAD v4.1: 21 of 1,614,100 alleles (0.0013%); highest among the groups gnomAD compares: Non-Finnish European, 0.0017%; no homozygotes.

Submission:

Labcorp Genetics (formerly Invitae), Labcorp
Classification: Uncertain significance for Disseminated atypical mycobacterial infection. Last evaluated: 2022-07-06. Review status: criteria provided, single submitter. Criteria: Invitae Variant Classification Sherloc (09022015). Collection method: clinical testing. Allele origin: germline.
Comment: This variant is present in population databases (no rsID available, gnomAD 0.0009%). This variant has not been reported in the literature in individuals affected with IFNGR1-related conditions. Algorithms developed to predict the effect of missense changes on protein structure and function (SIFT, PolyPhen-2, Align-GVGD) all suggest that this variant is likely to be disruptive. In summary, the available evidence is currently insufficient to determine the role of this variant in disease. Therefore, it has been classified as a Variant of Uncertain Significance. This sequence change replaces phenylalanine, which is neutral and non-polar, with serine, which is neutral and polar, at codon 119 of the IFNGR1 protein (p.Phe119Ser).

NM_000416.3(IFNGR1):c.356T>C (p.Phe119Ser)

Gene: IFNGR1 (interferon gamma receptor 1; minus strand). Cytogenetic location: 6q23.3.
Variant type: single nucleotide variant.
Coding change: c.356T>C on transcript NM_000416.3 (MANE Select); coding-DNA position 356, T replaced by C.
Protein change: p.Phe119Ser; replaces phenylalanine 119 with serine.
Molecular consequence: missense variant.
Genome position (GRCh38, 1-based): chr6:137,206,153, A>G on the plus strand (T>C on the coding strand, the complement: IFNGR1 is on the minus strand). VCF-style: chr6-137206153-A-G. GRCh37 (hg19) VCF-style: chr6-137527290-A-G.
Other names: c.326T>C, p.Phe109Ser (NM_001363526.1); c.233T>C, p.Phe78Ser (NM_001363527.1); short protein forms F119S, F109S, F78S.
Identifiers: ClinVar variation 2014383 (VCV002014383.4), dbSNP rs1240268455, ClinGen allele CA365775616.